The following is an entry in ClinVar:

NM_001364905.1(LRBA):c.6337G>A (p.Ala2113Thr)

Gene: LRBA (LPS responsive beige-like anchor protein; minus strand). Cytogenetic location: 4q31.3.
Variant type: single nucleotide variant.
Coding change: c.6337G>A on transcript NM_001364905.1 (MANE Select); coding-DNA position 6337, G replaced by A.
Protein change: p.Ala2113Thr; replaces alanine 2113 with threonine.
Molecular consequence: missense variant.
Genome position (GRCh38, 1-based): chr4:150,491,029, C>T on the plus strand (G>A on the coding strand, the complement: LRBA is on the minus strand). VCF-style: chr4-150491029-C-T. GRCh37 (hg19) VCF-style: chr4-151412181-C-T.
Other names: c.6337G>A, p.Ala2113Thr (NM_001199282.3, NM_001367550.1); c.6370G>A, p.Ala2124Thr (NM_006726.5); short protein forms A2113T, A2124T.
Identifiers: ClinVar variation 1498770 (VCV001498770.8), dbSNP rs2152104055, ClinGen allele CA358607571.

ClinVar aggregate classification (germline): Uncertain significance (1 of 4 stars; one submission).

Conditions:
Combined immunodeficiency due to LRBA deficiency. Also called: Common variable immunodeficiency 8, with autoimmunity. Identifiers: Orphanet 445018, MedGen C3553512, MONDO:0013863, OMIM 614700.

gnomAD v4.1: 1 of 1,547,460 alleles (0.000065%); highest among the groups gnomAD compares: Non-Finnish European, 0.000089%; no homozygotes.

Submission:

Labcorp Genetics (formerly Invitae), Labcorp
Classification: Uncertain significance for Combined immunodeficiency due to LRBA deficiency. Last evaluated: 2023-08-30. Review status: criteria provided, single submitter. Criteria: Invitae Variant Classification Sherloc (09022015). Collection method: clinical testing. Allele origin: germline.
Comment: In summary, the available evidence is currently insufficient to determine the role of this variant in disease. Therefore, it has been classified as a Variant of Uncertain Significance. Advanced modeling of protein sequence and biophysical properties (such as structural, functional, and spatial information, amino acid conservation, physicochemical variation, residue mobility, and thermodynamic stability) performed at Invitae indicates that this missense variant is not expected to disrupt LRBA protein function. ClinVar contains an entry for this variant (Variation ID: 1498770). This variant has not been reported in the literature in individuals affected with LRBA-related conditions. This variant is not present in population databases (gnomAD no frequency). This sequence change replaces alanine, which is neutral and non-polar, with threonine, which is neutral and polar, at codon 2124 of the LRBA protein (p.Ala2124Thr).